The following is an entry in ClinVar:

ClinVar aggregate classification (germline): Conflicting classifications of pathogenicity. Review status: criteria provided, conflicting classifications (1 of 4 stars). 2 submissions from 2 submitters: Uncertain significance (1); Likely benign (1). Last evaluated 2024-02-13.

Conditions:
Inborn genetic diseases. Identifiers: MedGen C0950123, MeSH D030342.
COG1 congenital disorder of glycosylation (CDG2G). Also called: CONGENITAL DISORDER OF GLYCOSYLATION, TYPE IIg; CDG IIg; CDGII/COG1 CEREBROCOSTOMANDIBULAR-LIKE SYNDROME. Identifiers: Orphanet 263508, MedGen C2931011, MONDO:0012637, OMIM 611209.

Allele frequency attached by ClinVar (database versions not stated): TOPMed below 0.00001; gnomAD 0.00001; gnomAD exomes 0.00001.
gnomAD v4.1: 5 of 1,613,996 alleles (0.00031%); highest among the groups gnomAD compares: Non-Finnish European, 0.00042%; no homozygotes.

Submissions (2):

Ambry Genetics
Classification: Likely benign for Inborn genetic diseases. Last evaluated: 2024-02-13. Review status: criteria provided, single submitter. Criteria: Ambry Variant Classification Scheme 2023. Collection method: clinical testing. Allele origin: germline.

Labcorp Genetics (formerly Invitae), Labcorp
Classification: Uncertain significance for COG1 congenital disorder of glycosylation. Last evaluated: 2022-05-12. Review status: criteria provided, single submitter. Criteria: Invitae Variant Classification Sherloc (09022015). Collection method: clinical testing. Allele origin: germline.
Comment: In summary, the available evidence is currently insufficient to determine the role of this variant in disease. Therefore, it has been classified as a Variant of Uncertain Significance. Algorithms developed to predict the effect of missense changes on protein structure and function output the following: SIFT: "Tolerated"; PolyPhen-2: "Benign"; Align-GVGD: "Class C0". The valine amino acid residue is found in multiple mammalian species, which suggests that this missense change does not adversely affect protein function. This variant has not been reported in the literature in individuals affected with COG1-related conditions. This variant is present in population databases (no rsID available, gnomAD 0.0009%). This sequence change replaces alanine, which is neutral and non-polar, with valine, which is neutral and non-polar, at codon 739 of the COG1 protein (p.Ala739Val).

NM_018714.3(COG1):c.2216C>T (p.Ala739Val)

Gene: COG1 (component of oligomeric golgi complex 1; plus strand). Cytogenetic location: 17q25.1.
Variant type: single nucleotide variant.
Coding change: c.2216C>T on transcript NM_018714.3 (MANE Select); coding-DNA position 2216, C replaced by T.
Protein change: p.Ala739Val; replaces alanine 739 with valine.
Molecular consequence: missense variant.
Genome position (GRCh38, 1-based): chr17:73,203,142, C>T. VCF-style: chr17-73203142-C-T. GRCh37 (hg19) VCF-style: chr17-71199281-C-T.
Other names: c.2216C>T (NM_018714.2); short protein forms A739V.
Identifiers: ClinVar variation 2085667 (VCV002085667.5), dbSNP rs1229193421, ClinGen allele CA400895527.